The following is an entry in ClinVar:

ClinVar aggregate classification (germline): Conflicting classifications of pathogenicity. Review status: criteria provided, conflicting classifications (1 of 4 stars). 2 submissions from 2 submitters: Uncertain significance (1); Likely benign (1). Last evaluated 2023-09-22.

Conditions:
Inflammatory bowel disease. Identifiers: Orphanet 104012, MedGen C0021390, MONDO:0005265.

Allele frequency attached by ClinVar (database versions not stated): gnomAD exomes 0.00004 and 0.00007; ESP Exome Variant Server 0.00008; gnomAD 0.00008 and 0.00009; ExAC 0.00009; TOPMed 0.00009.
gnomAD v4.1: 76 of 1,590,454 alleles (0.0048%); highest among the groups gnomAD compares: Non-Finnish European, 0.0056%; no homozygotes.

Submissions (2):

Blueprint Genetics
Classification: Likely benign. Last evaluated: 2023-09-22. Review status: criteria provided, single submitter. Criteria: ACMG Guidelines, 2015. Collection method: clinical testing. Allele origin: germline.

Labcorp Genetics (formerly Invitae), Labcorp
Classification: Uncertain significance for Inflammatory bowel disease. Last evaluated: 2022-04-07. Review status: criteria provided, single submitter. Criteria: Invitae Variant Classification Sherloc (09022015). Collection method: clinical testing. Allele origin: germline.
Comment: This sequence change replaces arginine, which is basic and polar, with glutamine, which is neutral and polar, at codon 177 of the IL10 protein (p.Arg177Gln). This variant is present in population databases (rs376415487, gnomAD 0.01%). This variant has not been reported in the literature in individuals affected with IL10-related conditions. ClinVar contains an entry for this variant (Variation ID: 970779). Algorithms developed to predict the effect of missense changes on protein structure and function output the following: SIFT: "Tolerated"; PolyPhen-2: "Benign"; Align-GVGD: "Class C0". The glutamine amino acid residue is found in multiple mammalian species, which suggests that this missense change does not adversely affect protein function. In summary, the available evidence is currently insufficient to determine the role of this variant in disease. Therefore, it has been classified as a Variant of Uncertain Significance.

NM_000572.3(IL10):c.530G>A (p.Arg177Gln)

Gene: IL10 (interleukin 10; minus strand). Cytogenetic location: 1q32.1.
Variant type: single nucleotide variant.
Coding change: c.530G>A on transcript NM_000572.3 (MANE Select); coding-DNA position 530, G replaced by A.
Protein change: p.Arg177Gln; replaces arginine 177 with glutamine.
Molecular consequence: missense variant. On other transcripts: non-coding transcript variant (2).
Genome position (GRCh38, 1-based): chr1:206,768,643, C>T on the plus strand (G>A on the coding strand, the complement: IL10 is on the minus strand). VCF-style: chr1-206768643-C-T. GRCh37 (hg19) VCF-style: chr1-206941988-C-T.
Other names: c.275G>A, p.Arg92Gln (NM_001382624.1); short protein forms R177Q, R92Q.
Identifiers: ClinVar variation 970779 (VCV000970779.6), dbSNP rs376415487, ClinGen allele CA1363721.